The following is an entry in ClinVar:

NM_015122.3(FCHO1):c.1937+6C>T

Gene: FCHO1 (FCH and mu domain containing endocytic adaptor 1; plus strand). Cytogenetic location: 19p13.11.
Variant type: single nucleotide variant.
Coding change: c.1937+6C>T on transcript NM_015122.3 (MANE Select); 6 bases into the intron after coding-DNA position 1937, C replaced by T.
Molecular consequence: intron variant.
Genome position (GRCh38, 1-based): chr19:17,781,826, C>T. VCF-style: chr19-17781826-C-T. GRCh37 (hg19) VCF-style: chr19-17892635-C-T.
Other names: c.1937+6C>T (NM_001384370.1, NM_001384376.1, NM_001384375.1 and 13 more transcripts); c.1661+6C>T (NM_001384396.1, NM_001384404.1, NM_001384398.1 and 5 more transcripts); c.1862+6C>T (NM_001384390.1); c.1511+6C>T (NM_001384406.1); c.1367+6C>T (NM_001384407.1); c.1820+6C>T (NM_001384393.1, NM_001384394.1, NM_001384392.1 and 1 more transcripts); c.1616+6C>T (NM_001384403.1); c.1898+6C>T (NM_001384388.1, NM_001384405.1, NM_001384389.1); and 1 more.
Identifiers: ClinVar variation 2417383 (VCV002417383.4), dbSNP rs774775819, ClinGen allele CA9300685.

ClinVar aggregate classification (germline): Conflicting classifications of pathogenicity. Review status: criteria provided, conflicting classifications (1 of 4 stars). 2 submissions from 2 submitters: Uncertain significance (1); Likely benign (1). Last evaluated 2023-06-06.

Allele frequency attached by ClinVar (database versions not stated): gnomAD 0.00001; TOPMed 0.00001; ExAC 0.00002.
gnomAD v4.1: 20 of 1,558,268 alleles (0.0013%); highest among the groups gnomAD compares: South Asian, 0.018%; no homozygotes.

Submissions (2):

Blueprint Genetics
Classification: Likely benign. Last evaluated: 2023-06-06. Review status: criteria provided, single submitter. Criteria: ACMG Guidelines, 2015. Collection method: clinical testing. Allele origin: germline.

Labcorp Genetics (formerly Invitae), Labcorp
Classification: Uncertain significance. Last evaluated: 2022-06-24. Review status: criteria provided, single submitter. Criteria: Invitae Variant Classification Sherloc (09022015). Collection method: clinical testing. Allele origin: germline.
Comment: This sequence change falls in intron 23 of the FCHO1 gene. It does not directly change the encoded amino acid sequence of the FCHO1 protein. It affects a nucleotide within the consensus splice site. This variant is present in population databases (rs774775819, gnomAD 0.01%). This variant has not been reported in the literature in individuals affected with FCHO1-related conditions. Variants that disrupt the consensus splice site are a relatively common cause of aberrant splicing (PMID: 17576681, 9536098). Algorithms developed to predict the effect of sequence changes on RNA splicing suggest that this variant is not likely to affect RNA splicing. In summary, the available evidence is currently insufficient to determine the role of this variant in disease. Therefore, it has been classified as a Variant of Uncertain Significance.

Literature cited by the submitters: PubMed 17576681 (cited by Labcorp Genetics (formerly Invitae), Labcorp); PubMed 9536098 (cited by Labcorp Genetics (formerly Invitae), Labcorp).